The following is an entry in ClinVar:

NM_020693.4(DSCAML1):c.2816A>C (p.Asn939Thr)

Gene: DSCAML1 (DS cell adhesion molecule like 1; minus strand). Cytogenetic location: 11q23.3.
Variant type: single nucleotide variant.
Coding change: c.2816A>C on transcript NM_020693.4 (MANE Select); coding-DNA position 2816, A replaced by C.
Protein change: p.Asn939Thr; replaces asparagine 939 with threonine.
Molecular consequence: missense variant.
Genome position (GRCh38, 1-based): chr11:117,472,006, T>G on the plus strand (A>C on the coding strand, the complement: DSCAML1 is on the minus strand). VCF-style: chr11-117472006-T-G. GRCh37 (hg19) VCF-style: chr11-117342721-T-G.
Other names: short protein forms N939T.
Identifiers: ClinVar variation 3657686 (VCV003657686.2).
Genomic context (GRCh38, chr11:117,472,006, plus strand): 5'-CTGTACACAGATGCCGGGTGCAAGTCCACAATGTTGGCCTGGTTGATGGTGGGGGAGATG[T>G]TGCGTGTGGACTGCTTGAAGTCCCAGGAATCTGGAGAGAAGACACCTATGTCAAAGCATG-3'
Protein context (NP_065744.3, residues 929-949): DSWDFKQSTR[Asn939Thr]ISPTINQANI

ClinVar aggregate classification (germline): Uncertain significance (1 of 4 stars; one submission).

Submission:

Labcorp Genetics (formerly Invitae), Labcorp
Classification: Uncertain significance. Last evaluated: 2024-07-02. Review status: criteria provided, single submitter. Criteria: Invitae Variant Classification Sherloc (09022015). Collection method: clinical testing. Allele origin: germline.
Comment: This sequence change replaces asparagine, which is neutral and polar, with threonine, which is neutral and polar, at codon 999 of the DSCAML1 protein (p.Asn999Thr). This variant is not present in population databases (gnomAD no frequency). This variant has not been reported in the literature in individuals affected with DSCAML1-related conditions. An algorithm developed to predict the effect of missense changes on protein structure and function (PolyPhen-2) suggests that this variant is likely to be tolerated. In summary, the available evidence is currently insufficient to determine the role of this variant in disease. Therefore, it has been classified as a Variant of Uncertain Significance.